The following is an entry in ClinVar:

NM_058163.3(TSR2):c.526G>A (p.Glu176Lys)

Gene: TSR2 (TSR2 ribosome maturation factor; plus strand). Cytogenetic location: Xp11.22.
Variant type: single nucleotide variant.
Coding change: c.526G>A on transcript NM_058163.3 (MANE Select); coding-DNA position 526, G replaced by A.
Protein change: p.Glu176Lys; replaces glutamic acid 176 with lysine.
Molecular consequence: missense variant.
Genome position (GRCh38, 1-based): chrX:54,444,500, G>A. VCF-style: chrX-54444500-G-A. GRCh37 (hg19) VCF-style: chrX-54470933-G-A.
Other names: c.517G>A, p.Glu173Lys (NM_001346789.2); c.241G>A, p.Glu81Lys (NM_001346790.2, NM_001346791.2, NM_001346792.2); short protein forms E173K, E176K, E81K.
Identifiers: ClinVar variation 4977463 (VCV004977463.1).
Genomic context (GRCh38, chrX:54,444,500, plus strand): 5'-GCTACAGATGGGGTCTGCCCCCAGCCTGAACCCTCTGATCCAGACGCTCAGACTATTAAG[G>A]AAGAGGATATAGTGGAAGATGGCTGGACCATTGTCCGGAGAAAAAAATGAGTGGGGATGA-3'
Protein context (NP_477511.1, residues 166-186): PSDPDAQTIK[Glu176Lys]EDIVEDGWTI

ClinVar aggregate classification (germline): Uncertain significance (1 of 4 stars; one submission).

Conditions:
TSR2-related disorder. Also called: TSR2-related condition.

gnomAD v4.1: 17 of 1,211,396 alleles (0.0014%); highest among the groups gnomAD compares: Non-Finnish European, 0.0019%; no homozygotes.

Submission:

PreventionGenetics, part of Exact Sciences
Classification: Uncertain significance for TSR2-related condition. Last evaluated: 2026-06-25. Review status: criteria provided, single submitter. Criteria: ACMG Guidelines, 2015. Collection method: clinical testing. Allele origin: germline.
Comment: The TSR2 c.526G>A variant is predicted to result in the amino acid substitution p.Glu176Lys. To our knowledge, this variant has not been reported in the literature. This variant is reported in 0.0037% of alleles in individuals of European (Non-Finnish) descent in gnomAD. At this time, the clinical significance of this variant is uncertain due to the absence of conclusive functional and genetic evidence.